The following is an entry in ClinVar:

ClinVar aggregate classification (germline): Uncertain significance. Review status: criteria provided, multiple submitters, no conflicts (2 of 4 stars). 3 submissions from 3 submitters: Uncertain significance (3). Last evaluated 2025-07-18.

Conditions:
Hereditary cancer-predisposing syndrome. Also called: Hereditary neoplastic syndrome; Neoplastic Syndromes, Hereditary; Tumor predisposition; Hereditary Cancer Syndrome. Identifiers: Orphanet 140162, MedGen C0027672, MeSH D009386, MONDO:0015356.
Familial cancer of breast. Also called: BREAST CANCER, FAMILIAL; Hereditary breast cancer; hereditary breast carcinoma. Identifiers: Orphanet 227535, MedGen C0346153, MONDO:0016419, OMIM 114480. Disease mechanism: loss of function.
Ataxia-telangiectasia syndrome (AT). Also called: LOUIS-BAR SYNDROME; Cerebello-oculocutaneous telangiectasia; Immunodeficiency with ataxia telangiectasia; AT, COMPLEMENTATION GROUP C; Ataxia-telangiectasia, complementation group D; ATAXIA-TELANGIECTASIA, COMPLEMENTATION GROUP A. Identifiers: Orphanet 100, MedGen C0004135, MONDO:0008840, OMIM 208900.

Allele frequency attached by ClinVar (database versions not stated): gnomAD exomes 0.00001; TOPMed 0.00001; ExAC 0.00002.
gnomAD v4.1: 3 of 1,613,568 alleles (0.00019%); highest among the groups gnomAD compares: African/African-American, 0.0013%; no homozygotes.

Submissions (3):

Labcorp Genetics (formerly Invitae), Labcorp
Classification: Uncertain significance for Ataxia-telangiectasia syndrome. Last evaluated: 2025-07-18. Review status: criteria provided, single submitter. Criteria: Invitae Variant Classification Sherloc (09022015). Collection method: clinical testing. Allele origin: germline.
Comment: This sequence change replaces proline, which is neutral and non-polar, with serine, which is neutral and polar, at codon 1374 of the ATM protein (p.Pro1374Ser). This variant is present in population databases (rs749215545, gnomAD 0.0009%). This variant has not been reported in the literature in individuals affected with ATM-related conditions. ClinVar contains an entry for this variant (Variation ID: 482565). Invitae Evidence Modeling of protein sequence and biophysical properties (such as structural, functional, and spatial information, amino acid conservation, physicochemical variation, residue mobility, and thermodynamic stability) has been performed for this missense variant. However, the output from this modeling did not meet the statistical confidence thresholds required to predict the impact of this variant on ATM protein function. In summary, the available evidence is currently insufficient to determine the role of this variant in disease. Therefore, it has been classified as a Variant of Uncertain Significance.

Ambry Genetics
Classification: Uncertain significance for Hereditary cancer-predisposing syndrome. Last evaluated: 2025-03-04. Review status: criteria provided, single submitter. Criteria: Ambry Variant Classification Scheme 2023. Collection method: clinical testing. Allele origin: germline.
Comment: The p.P1374S variant (also known as c.4120C>T), located in coding exon 27 of the ATM gene, results from a C to T substitution at nucleotide position 4120. The proline at codon 1374 is replaced by serine, an amino acid with similar properties. This amino acid position is highly conserved in available vertebrate species. In addition, the in silico prediction for this alteration is inconclusive. Based on the available evidence, the clinical significance of this variant remains unclear.

Baylor Genetics
Classification: Uncertain significance for Familial cancer of breast. Last evaluated: 2024-01-25. Review status: criteria provided, single submitter. Criteria: ACMG Guidelines, 2015. Collection method: clinical testing. Allele origin: unknown.

NM_000051.4(ATM):c.4120C>T (p.Pro1374Ser)

Gene: ATM (ATM serine/threonine kinase; plus strand). Cytogenetic location: 11q22.3.
Variant type: single nucleotide variant.
Coding change: c.4120C>T on transcript NM_000051.4 (MANE Select); coding-DNA position 4120, C replaced by T.
Protein change: p.Pro1374Ser; replaces proline 1374 with serine.
Molecular consequence: missense variant.
Genome position (GRCh38, 1-based): chr11:108,288,987, C>T. VCF-style: chr11-108288987-C-T. GRCh37 (hg19) VCF-style: chr11-108159714-C-T.
Other names: c.4120C>T, p.Pro1374Ser (NM_001351834.2); short protein forms P1374S.
Identifiers: ClinVar variation 482565 (VCV000482565.14), dbSNP rs749215545, ClinGen allele CA6265407.